The following is an entry in ClinVar:

NM_001009944.3(PKD1):c.11614G>T (p.Glu3872Ter)

Genes: PKD1 (polycystin 1, transient receptor potential channel interacting; minus strand), PKD1-AS1 (PKD1 antisense RNA 1; plus strand). Cytogenetic location: 16p13.3.
Variant type: single nucleotide variant.
Coding change: c.11614G>T on transcript NM_001009944.3 (MANE Select); coding-DNA position 11614, G replaced by T.
Protein change: p.Glu3872Ter; replaces glutamic acid 3872 with a stop codon.
Molecular consequence: nonsense. On other transcripts: non-coding transcript variant (1).
Genome position (GRCh38, 1-based): chr16:2,091,521, C>A on the plus strand (G>T on the coding strand, the complement: PKD1 is on the minus strand). VCF-style: chr16-2091521-C-A. GRCh37 (hg19) VCF-style: chr16-2141522-C-A.
Other names: c.11611G>T, p.Glu3871Ter (NM_000296.4); short protein forms E3871*, E3872*.
Identifiers: ClinVar variation 3338780 (VCV003338780.1).

ClinVar aggregate classification (germline): Pathogenic (1 of 4 stars; one submission).

Submission:

GeneDx
Classification: Pathogenic. Last evaluated: 2023-09-11. Review status: criteria provided, single submitter. Criteria: GeneDx Variant Classification Process June 2021. Collection method: clinical testing. Allele origin: germline. Affected: yes.
Comment: Reported with a second variant on the opposite allele (in trans) in a patient with polycystic kidney disease in published literature (Audrezet et al., 2016); Nonsense variant predicted to result in protein truncation or nonsense mediated decay in a gene for which loss of function is a known mechanism of disease; Not observed at significant frequency in large population cohorts (gnomAD); This variant is associated with the following publications: (PMID: 25525159, 30820006, 26139440, 31740684, 18837007, 32457805)